The following is an entry in ClinVar:

NM_001106.4(ACVR2B):c.*427C>G

Gene: ACVR2B (activin A receptor type 2B; plus strand). Cytogenetic location: 3p22.2.
Variant type: single nucleotide variant.
Coding change: c.*427C>G on transcript NM_001106.4 (MANE Select); 427 bases downstream of the stop codon, C replaced by G.
Molecular consequence: 3 prime UTR variant.
Genome position (GRCh38, 1-based): chr3:38,483,759, C>G. VCF-style: chr3-38483759-C-G. GRCh37 (hg19) VCF-style: chr3-38525250-C-G.
Identifiers: ClinVar variation 902839 (VCV000902839.4), dbSNP rs543992989, ClinGen allele CA72927113.

ClinVar aggregate classification (germline): Benign (1 of 4 stars; one submission).

Conditions:
Heterotaxy, visceral, 4, autosomal (HTX4). Identifiers: Orphanet 450, MedGen C3151057, MONDO:0013403, OMIM 613751.

Allele frequency attached by ClinVar (database versions not stated): 1000 Genomes Project 0.00060; 1000 Genomes Project 30x 0.00078; gnomAD 0.00082 and 0.00091; TOPMed 0.00095.

Submission:

Illumina Laboratory Services, Illumina
Classification: Benign for Heterotaxy, visceral, 4, autosomal. Last evaluated: 2018-01-13. Review status: criteria provided, single submitter. Criteria: ICSL Variant Classification Criteria 13 December 2019. Collection method: clinical testing. Allele origin: germline.
Comment: This variant was observed in the ICSL laboratory as part of a predisposition screen in an ostensibly healthy population. It had not been previously curated by ICSL or reported in the Human Gene Mutation Database (HGMD: prior to June 1st, 2018), and was therefore a candidate for classification through an automated scoring system. Utilizing variant allele frequency, disease prevalence and penetrance estimates, and inheritance mode, an automated score was calculated to assess if this variant is too frequent to cause the disease. Based on the score and internal cut-off values, a variant classified as benign is not then subjected to further curation. The score for this variant resulted in a classification of benign for this disease.